The following is an entry in ClinVar:

ClinVar aggregate classification (germline): Likely pathogenic (1 of 4 stars; one submission).

Conditions:
Dilated cardiomyopathy 1G (CMD1G). Identifiers: Orphanet 154, MedGen C1858763, MONDO:0011400, OMIM 604145.
Autosomal recessive limb-girdle muscular dystrophy type 2J (LGMDR10). Also called: Limb-girdle muscular dystrophy, type 2J; MUSCULAR DYSTROPHY, LIMB-GIRDLE, AUTOSOMAL RECESSIVE 10. Identifiers: Orphanet 140922, MedGen C1837342, MONDO:0012127, OMIM 608807.

Submission:

Labcorp Genetics (formerly Invitae), Labcorp
Classification: Likely pathogenic for Dilated cardiomyopathy 1G; Autosomal recessive limb-girdle muscular dystrophy type 2J. Last evaluated: 2023-07-22. Review status: criteria provided, single submitter. Criteria: Invitae Variant Classification Sherloc (09022015). Collection method: clinical testing. Allele origin: germline.
Comment: This variant has not been reported in the literature in individuals affected with TTN-related conditions. This sequence change creates a premature translational stop signal (p.Leu31041Serfs*3) in the TTN gene. While this is not anticipated to result in nonsense mediated decay, it is expected to create a truncated TTN protein. This variant is not present in population databases (gnomAD no frequency). This variant is located in the A band of TTN (PMID: 25589632). Truncating variants in this region are significantly overrepresented in patients affected with dilated cardiomyopathy (PMID: 25589632). Truncating variants in this region have also been reported in individuals affected with autosomal recessive centronuclear myopathy (PMID: 23975875). In summary, the currently available evidence indicates that the variant is pathogenic, but additional data are needed to prove that conclusively. Therefore, this variant has been classified as Likely Pathogenic.

Literature cited by the submitters: PubMed 25589632; PubMed 23975875.

NM_001267550.2(TTN):c.93119dup (p.Leu31041fs)

Genes: TTN-AS1 (TTN antisense RNA 1; plus strand), TTN (titin; minus strand). Cytogenetic location: 2q31.2.
Variant type: Duplication.
Coding change: c.93119dup on transcript NM_001267550.2 (MANE Select); coding-DNA position 93119, one base duplicated (C; older notation c.93119dupC).
Protein change: p.Leu31041fs; shifts the reading frame from leucine 31041.
Molecular consequence: frameshift variant.
Genome position (GRCh38, 1-based): chr2:178,548,507, G duplicated on the plus strand (C on the coding strand, the reverse complement: TTN is on the minus strand); the first of 4 consecutive G bases (chr2:178,548,507-178,548,510); duplicating any one gives the same sequence. VCF-style (leftmost placement, unchanged base first): chr2-178548506-A-AG. GRCh37 (hg19) VCF-style: chr2-179413233-A-AG.
Other names: c.88196dup, p.Leu29400fs (NM_001256850.1); c.65924dup, p.Leu21976fs (NM_003319.4); c.85415dup, p.Leu28473fs (NM_133378.4); c.66299dup, p.Leu22101fs (NM_133432.3); c.66500dup, p.Leu22168fs (NM_133437.4); short protein forms L21976fs, L29400fs, L31041fs, L28473fs, L22101fs, L22168fs.
Identifiers: ClinVar variation 2950197 (VCV002950197.3), dbSNP rs2469130761, ClinGen allele CA2740095982.
Genomic context (GRCh38, chr2:178,548,506, plus strand): 5'-GCGACTTGCCTCTCGTTTCTCTACCACATAATGATGGATTCGGGCACCACCGTCAAGAAG[A>AG]GGGGCATCCCACATCAATGTAGCAGATCCCCGGGTCACATCTTTGAAGGTAATTGGGCCA-3'